The following is an entry in ClinVar:

NM_000631.5(NCF4):c.254C>A (p.Thr85Asn)

Genes: NCF4-AS1 (NCF4 antisense RNA 1; minus strand), NCF4 (neutrophil cytosolic factor 4; plus strand). Cytogenetic location: 22q12.3.
Variant type: single nucleotide variant.
Coding change: c.254C>A on transcript NM_000631.5 (MANE Select); coding-DNA position 254, C replaced by A.
Protein change: p.Thr85Asn; replaces threonine 85 with asparagine.
Molecular consequence: missense variant.
Genome position (GRCh38, 1-based): chr22:36,865,055, C>A. VCF-style: chr22-36865055-C-A. GRCh37 (hg19) VCF-style: chr22-37261097-C-A.
Other names: c.254C>A, p.Thr85Asn (NM_013416.4); short protein forms T85N.
Identifiers: ClinVar variation 287656 (VCV000287656.43), dbSNP rs112306225, ClinGen allele CA10212900.
Genomic context (GRCh38, chr22:36,865,055, plus strand): 5'-TGCAGAGCAAGCTGGAGGAGCGCTTCGGGCCAGACAGCAAGAGCAGTGCCCTGGCCTGTA[C>A]CCTGCCCACACTCCCAGGTAGGCGGCCACTCCCGTCCTGCTGCTGCAGAGCTGCTGACTC-3'
Protein context (NP_000622.2, residues 75-95): PDSKSSALAC[Thr85Asn]LPTLPAKVYV

ClinVar aggregate classification (germline): Benign/Likely benign. Review status: criteria provided, multiple submitters, no conflicts (2 of 4 stars). 6 submissions from 6 submitters: Benign (2); Likely benign (4). Last evaluated 2026-04-01.

Conditions:
Granulomatous disease, chronic, autosomal recessive, cytochrome b-positive, type 3. Also called: GRANULOMATOUS DISEASE, CHRONIC, DUE TO NCF4 DEFICIENCY; Granulomatous disease, chronic, autosomal recessive, cytochrome b-positive, type III; CGD, AUTOSOMAL RECESSIVE CYTOCHROME b-POSITIVE, TYPE III; GRANULOMATOUS DISEASE, CHRONIC, AUTOSOMAL RECESSIVE, 3. Identifiers: Orphanet 379, MedGen C3151409, MONDO:0013507, OMIM 613960.

Allele frequency attached by ClinVar (database versions not stated): gnomAD exomes 0.00231; 1000 Genomes Project 0.00280; ExAC 0.00287; 1000 Genomes Project 30x 0.00297; gnomAD 0.00357 and 0.00377; TOPMed 0.00368; ESP Exome Variant Server 0.00515.
gnomAD v4.1: 3,431 of 1,612,074 alleles (0.21%); highest among the groups gnomAD compares: African/African-American, 0.85%; 12 homozygotes.

Submissions (6):

CeGaT Center for Human Genetics Tuebingen
Classification: Likely benign. Last evaluated: 2026-04-01. Review status: criteria provided, single submitter. Criteria: CeGaT Center For Human Genetics Tuebingen Variant Classification Criteria Version 2. Collection method: clinical testing. Allele origin: germline. Affected: yes. Observed: 3 variant alleles.
Comment: NCF4: BP4, BS2

Labcorp Genetics (formerly Invitae), Labcorp
Classification: Likely benign for Granulomatous disease, chronic, autosomal recessive, cytochrome b-positive, type 3. Last evaluated: 2026-02-04. Review status: criteria provided, single submitter. Criteria: Invitae Variant Classification Sherloc (09022015). Collection method: clinical testing. Allele origin: germline.

Women's Health and Genetics/Laboratory Corporation of America, LabCorp
Classification: Benign. Last evaluated: 2022-02-24. Review status: criteria provided, single submitter. Criteria: LabCorp Variant Classification Summary - May 2015. Collection method: clinical testing. Allele origin: germline.
Comment: Variant summary: NCF4 c.254C>A (p.Thr85Asn) results in a non-conservative amino acid change located in the Phox homology domain (IPR001683) of the encoded protein sequence. Four of five in-silico tools predict a benign effect of the variant on protein function. The variant allele was found at a frequency of 0.0023 in 248874 control chromosomes in the gnomAD database, including 6 homozygotes. The observed variant frequency is approximately 9.24 fold of the estimated maximal expected allele frequency for a pathogenic variant in NCF4 causing Chronic Granulomatous Disease phenotype (0.00025), strongly suggesting that the variant is benign. Although reported among polymorphisms and not among hematologically important mutations in a recent mutational update (example, Roos_2021), to our knowledge, no occurrence of c.254C>A in individuals affected with Chronic Granulomatous Disease and no experimental evidence demonstrating its impact on protein function have been reported. Three clinical diagnostic laboratories have submitted clinical-significance assessments for this variant to ClinVar after 2014 without evidence for independent evaluation. All laboratories classified the variant as benign/likely benign. Based on the evidence outlined above, the variant was classified as benign.

Fulgent Genetics
Classification: Likely benign for Granulomatous disease, chronic, autosomal recessive, cytochrome b-positive, type 3. Last evaluated: 2021-08-11. Review status: criteria provided, single submitter. Criteria: ACMG Guidelines, 2015. Collection method: clinical testing. Allele origin: unknown.

GeneDx
Classification: Likely benign. Last evaluated: 2020-05-05. Review status: criteria provided, single submitter. Criteria: GeneDx Variant Classification Process June 2021. Collection method: clinical testing. Allele origin: germline. Affected: yes.
Comment: This variant is associated with the following publications: (PMID: 29454792)

Eurofins Ntd Llc (ga)
Classification: Benign. Last evaluated: 2016-04-14. Review status: criteria provided, single submitter. Criteria: EGL Classification Definitions 2015. Collection method: clinical testing. Allele origin: germline. Observed: 1 variant allele, 1 heterozygote.

Literature cited by the submitters: PubMed 34547651 (cited by Women's Health and Genetics/Laboratory Corporation of America, LabCorp).